The following is an entry in ClinVar:

NM_004813.4(PEX16):c.303C>T (p.Ala101=)

Gene: PEX16 (peroxisomal biogenesis factor 16; minus strand). Cytogenetic location: 11p11.2.
Variant type: single nucleotide variant.
Coding change: c.303C>T on transcript NM_004813.4 (MANE Select); coding-DNA position 303, C replaced by T.
Protein change: p.Ala101=; no amino-acid change (alanine 101 retained).
Molecular consequence: synonymous variant.
Genome position (GRCh38, 1-based): chr11:45,915,759, G>A on the plus strand (C>T on the coding strand, the complement: PEX16 is on the minus strand). VCF-style: chr11-45915759-G-A. GRCh37 (hg19) VCF-style: chr11-45937310-G-A.
Other names: c.303C>T, p.Ala101= (NM_057174.3).
Identifiers: ClinVar variation 304797 (VCV000304797.21), dbSNP rs80275010, ClinGen allele CA5960023.

ClinVar aggregate classification (germline): Benign. Review status: criteria provided, multiple submitters, no conflicts (2 of 4 stars). 5 submissions from 5 submitters: Benign (4). 1 of the submissions does not count toward it. Last evaluated 2026-02-03.

Conditions:
Peroxisome biogenesis disorder 8A (Zellweger). Also called: Peroxisome biogenesis disorder 8A. Identifiers: Orphanet 912, MedGen C3553959, MONDO:0013942, OMIM 614876.
Peroxisome biogenesis disorder. Identifiers: Orphanet 79189, MedGen C1832200, MONDO:0019234. Disease mechanism: loss of function.

Allele frequency attached by ClinVar (database versions not stated): gnomAD 0.02306 and 0.02501; 1000 Genomes Project 0.02436; ESP Exome Variant Server 0.02492; TOPMed 0.02555; 1000 Genomes Project 30x 0.02592.

Submissions (5):

Labcorp Genetics (formerly Invitae), Labcorp
Classification: Benign for Peroxisome biogenesis disorder. Last evaluated: 2026-02-03. Review status: criteria provided, single submitter. Criteria: Invitae Variant Classification Sherloc (09022015). Collection method: clinical testing. Allele origin: germline.

GeneDx
Classification: Benign. Last evaluated: 2020-02-01. Review status: criteria provided, single submitter. Criteria: GeneDx Variant Classification Process June 2021. Collection method: clinical testing. Allele origin: germline. Affected: yes.

Illumina Laboratory Services, Illumina
Classification: Benign for Peroxisome biogenesis disorder 8A (Zellweger). Last evaluated: 2018-01-12. Review status: criteria provided, single submitter. Criteria: ICSL Variant Classification Criteria 13 December 2019. Collection method: clinical testing. Allele origin: germline.
Comment: This variant was observed in the ICSL laboratory as part of a predisposition screen in an ostensibly healthy population. It had not been previously curated by ICSL or reported in the Human Gene Mutation Database (HGMD: prior to June 1st, 2018), and was therefore a candidate for classification through an automated scoring system. Utilizing variant allele frequency, disease prevalence and penetrance estimates, and inheritance mode, an automated score was calculated to assess if this variant is too frequent to cause the disease. Based on the score and internal cut-off values, a variant classified as benign is not then subjected to further curation. The score for this variant resulted in a classification of benign for this disease.

Breakthrough Genomics
Classification: Benign. Review status: criteria provided, single submitter. Criteria: ACMG Guidelines, 2015. Collection method: not provided. Allele origin: germline. Inheritance: Autosomal recessive inheritance. Affected: yes.

Mayo Clinic Laboratories, Mayo Clinic
Classification: Benign. Last evaluated: 2017-08-16. Review status: no assertion criteria provided. Collection method: clinical testing. Allele origin: unknown. Not counted in ClinVar's aggregate classification.